The following is an entry in ClinVar:

NM_000138.5(FBN1):c.5225-2A>G

Gene: FBN1 (fibrillin 1; minus strand). Cytogenetic location: 15q21.1.
Variant type: single nucleotide variant.
Coding change: c.5225-2A>G on transcript NM_000138.5 (MANE Select); the canonical splice acceptor site of the intron before coding-DNA position 5225, A replaced by G.
Molecular consequence: splice acceptor variant.
Genome position (GRCh38, 1-based): chr15:48,460,319, T>C on the plus strand (A>G on the coding strand, the complement: FBN1 is on the minus strand). VCF-style: chr15-48460319-T-C. GRCh37 (hg19) VCF-style: chr15-48752516-T-C.
Other names: c.5225-2A>G (NM_000138.4, NM_001406716.1).
Identifiers: ClinVar variation 2932728 (VCV002932728.4), dbSNP rs1555396639, ClinGen allele CA392348114.
Genomic context (GRCh38, chr15:48,460,319, plus strand): 5'-GGTATAAATGTCGATGACAAAGCCTGGCCTTTGACTTCCACAGAGTGTAGCAAACTCATC[T>C]GCAATGATTAAACAAAGGTGGGATGGGAGGATAGGGGTCAGCAAAGAACAATAATTGGAC-3'

ClinVar aggregate classification (germline): Conflicting classifications of pathogenicity. Review status: criteria provided, conflicting classifications (1 of 4 stars). 3 submissions from 3 submitters: Pathogenic (1); Likely pathogenic (1); Uncertain significance (1). Last evaluated 2025-07-03.

Conditions:
Tall stature. Identifiers: MedGen C0241240, HP:0000098.
Marfan syndrome (MFS). Also called: MARFAN SYNDROME, TYPE I; Marfan syndrome type 1; Marfan's syndrome; Marfan syndrome, classic; FBN1-Related Marfan Syndrome. Identifiers: Orphanet 284963, Orphanet 558, MedGen C0024796, MONDO:0007947, OMIM 154700.
Familial thoracic aortic aneurysm and aortic dissection (TAAD). Also called: Thoracic aortic aneurysms and dissections. Identifiers: Orphanet 91387, MedGen C4707243, MONDO:0019625.

Submissions (3):

Ambry Genetics
Classification: Uncertain significance for Familial thoracic aortic aneurysm and aortic dissection. Last evaluated: 2025-07-03. Review status: criteria provided, single submitter. Criteria: Ambry Variant Classification Scheme 2023. Collection method: clinical testing. Allele origin: germline.
Comment: The c.5225-2A>G intronic variant results from an A to G substitution two nucleotides upstream from coding exon 42 in the FBN1 gene. This variant has been reported in subjects with features of Marfan syndrome (Gentilini D et al. PLoS One, 2019 Sep;14:e0222506; Ambry internal data). Alterations that disrupt the canonical splice site are expected to result in aberrant splicing. In silico splice site analysis predicts that this alteration will weaken the native splice acceptor site. A resulting transcript is predicted to be in-frame and is not expected to trigger nonsense-mediated mRNA decay; although, direct evidence is unavailable. This nucleotide position is highly conserved in available vertebrate species. Based on the available evidence, the clinical significance of this variant remains unclear.

Labcorp Genetics (formerly Invitae), Labcorp
Classification: Pathogenic for Marfan syndrome; Familial thoracic aortic aneurysm and aortic dissection. Last evaluated: 2025-07-01. Review status: criteria provided, single submitter. Criteria: Invitae Variant Classification Sherloc (09022015). Collection method: clinical testing. Allele origin: germline.
Comment: This sequence change affects an acceptor splice site in intron 42 of the FBN1 gene. It is expected to disrupt RNA splicing. Variants that disrupt the donor or acceptor splice site typically lead to a loss of protein function (PMID: 16199547), and loss-of-function variants in FBN1 are known to be pathogenic (PMID: 17657824, 19293843). This variant is not present in population databases (gnomAD no frequency). Disruption of this splice site has been observed in individuals with clinical features of Marfan syndrome (internal data). ClinVar contains an entry for this variant (Variation ID: 2932728). Algorithms developed to predict the effect of sequence changes on RNA splicing suggest that this variant may disrupt the consensus splice site. For these reasons, this variant has been classified as Pathogenic.

Clinical Genetics Laboratory, Skane University Hospital Lund
Classification: Likely pathogenic for Tall stature. Last evaluated: 2024-09-11. Review status: criteria provided, single submitter. Criteria: ACMG Guidelines, 2015. Collection method: clinical testing. Allele origin: de novo. Inheritance: Autosomal dominant inheritance. Affected: yes.
Comment: ACMG criteria used: PVS1_Strong, PS2_Supporting, PM2_Supporting

Literature cited by the submitters: PubMed 31536524 (cited by Ambry Genetics); PubMed 16199547 (cited by Labcorp Genetics (formerly Invitae), Labcorp); PubMed 17657824 (cited by Labcorp Genetics (formerly Invitae), Labcorp); PubMed 19293843 (cited by Labcorp Genetics (formerly Invitae), Labcorp).